The following is an entry in ClinVar:

ClinVar aggregate classification (germline): Pathogenic (1 of 4 stars; one submission).

Submission:

CeGaT Center for Human Genetics Tuebingen
Classification: Pathogenic. Last evaluated: 2026-01-01. Review status: criteria provided, single submitter. Criteria: CeGaT Center For Human Genetics Tuebingen Variant Classification Criteria Version 2. Collection method: clinical testing. Allele origin: germline. Affected: yes. Observed: 3 variant alleles.
Comment: COL1A1: PVS1, PM2

NM_000088.4(COL1A1):c.2896C>T (p.Gln966Ter)

Gene: COL1A1 (collagen type I alpha 1 chain; minus strand). Cytogenetic location: 17q21.33.
Variant type: single nucleotide variant.
Coding change: c.2896C>T on transcript NM_000088.4 (MANE Select); coding-DNA position 2896, C replaced by T.
Protein change: p.Gln966Ter; replaces glutamine 966 with a stop codon.
Molecular consequence: nonsense.
Genome position (GRCh38, 1-based): chr17:50,189,209, G>A on the plus strand (C>T on the coding strand, the complement: COL1A1 is on the minus strand). VCF-style: chr17-50189209-G-A. GRCh37 (hg19) VCF-style: chr17-48266570-G-A.
Other names: short protein forms Q966*.
Identifiers: ClinVar variation 4085958 (VCV004085958.8).